The following is an entry in ClinVar:

ClinVar aggregate classification (germline): Uncertain significance (1 of 4 stars; one submission).

Submission:

Labcorp Genetics (formerly Invitae), Labcorp
Classification: Uncertain significance. Last evaluated: 2021-10-19. Review status: criteria provided, single submitter. Criteria: Invitae Variant Classification Sherloc (09022015). Collection method: clinical testing. Allele origin: germline.
Comment: This sequence change results in a frameshift in the CD81 gene (p.Val212Argfs*40). While this is not anticipated to result in nonsense mediated decay, it is expected to disrupt the last 25 amino acid(s) of the CD81 protein and extend the protein by 14 additional amino acid residues. This variant is not present in population databases (ExAC no frequency). This variant has not been reported in the literature in individuals affected with CD81-related conditions. Experimental studies and prediction algorithms are not available or were not evaluated, and the functional significance of this variant is currently unknown. In summary, the available evidence is currently insufficient to determine the role of this variant in disease. Therefore, it has been classified as a Variant of Uncertain Significance.

NM_004356.4(CD81):c.634_635del (p.Val212fs)

Gene: CD81 (CD81 molecule; plus strand). Cytogenetic location: 11p15.5.
Variant type: Deletion.
Coding change: c.634_635del on transcript NM_004356.4 (MANE Select); coding-DNA positions 634 to 635, 2 bases deleted (GT; older notation c.634_635delGT).
Protein change: p.Val212fs; shifts the reading frame from valine 212.
Molecular consequence: frameshift variant.
Genome position (GRCh38, 1-based): chr11:2,396,700-2,396,701, GT deleted. VCF-style (leftmost placement, unchanged base first): chr11-2396699-GGT-G. GRCh37 (hg19) VCF-style: chr11-2417929-GGT-G.
Other names: c.421_422del, p.Val141fs (NM_001297649.2); short protein forms V212fs, V141fs.
Identifiers: ClinVar variation 1387944 (VCV001387944.6), dbSNP rs2133468113, ClinGen allele CA2573145944.